The following is an entry in ClinVar:

NM_018671.5(UNC45A):c.1126A>G (p.Ser376Gly)

Gene: UNC45A (unc-45 myosin chaperone A; plus strand). Cytogenetic location: 15q26.1.
Variant type: single nucleotide variant.
Coding change: c.1126A>G on transcript NM_018671.5 (MANE Select); coding-DNA position 1126, A replaced by G.
Protein change: p.Ser376Gly; replaces serine 376 with glycine.
Molecular consequence: missense variant.
Genome position (GRCh38, 1-based): chr15:90,944,990, A>G. VCF-style: chr15-90944990-A-G. GRCh37 (hg19) VCF-style: chr15-91488220-A-G.
Other names: c.1081A>G, p.Ser361Gly (NM_001039675.2, NM_001323621.2); c.1126A>G, p.Ser376Gly (NM_001323619.1); c.691A>G, p.Ser231Gly (NM_001323620.2); short protein forms S361G, S231G, S376G.
Identifiers: ClinVar variation 1498129 (VCV001498129.8), dbSNP rs2151366957, ClinGen allele CA393855062.

ClinVar aggregate classification (germline): Uncertain significance (1 of 4 stars; one submission).

gnomAD v4.1: 1 of 1,613,056 alleles (0.000062%); highest among the groups gnomAD compares: Non-Finnish European, 0.000085%; no homozygotes.

Submission:

Labcorp Genetics (formerly Invitae), Labcorp
Classification: Uncertain significance. Last evaluated: 2022-08-23. Review status: criteria provided, single submitter. Criteria: Invitae Variant Classification Sherloc (09022015). Collection method: clinical testing. Allele origin: germline.
Comment: ClinVar contains an entry for this variant (Variation ID: 1498129). This sequence change replaces serine with glycine at codon 376 of the UNC45A protein (p.Ser376Gly). The serine residue is weakly conserved and there is a small physicochemical difference between serine and glycine. This variant is not present in population databases (gnomAD no frequency). This variant has not been reported in the literature in individuals affected with UNC45A-related conditions. Algorithms developed to predict the effect of missense changes on protein structure and function are either unavailable or do not agree on the potential impact of this missense change (SIFT: "Not Available"; PolyPhen-2: "Benign"; Align-GVGD: "Not Available"). In summary, the available evidence is currently insufficient to determine the role of this variant in disease. Therefore, it has been classified as a Variant of Uncertain Significance.